The following is an entry in ClinVar:

ClinVar aggregate classification (germline): Conflicting classifications of pathogenicity. Review status: criteria provided, conflicting classifications (1 of 4 stars). 2 submissions from 2 submitters: Uncertain significance (1); Likely benign (1). Last evaluated 2025-05-02.

gnomAD v4.1: 2,100 of 1,604,224 alleles (0.13%); highest among the groups gnomAD compares: Admixed American, 0.16%; 16 homozygotes.

Submissions (2):

Mayo Clinic Laboratories, Mayo Clinic
Classification: Uncertain significance. Last evaluated: 2025-05-02. Review status: criteria provided, single submitter. Criteria: ACMG Guidelines, 2015. Collection method: clinical testing. Allele origin: germline. Observed: 2 variant alleles.
Comment: BS2, PP3_strong

CeGaT Center for Human Genetics Tuebingen
Classification: Likely benign. Last evaluated: 2025-01-01. Review status: criteria provided, single submitter. Criteria: CeGaT Center For Human Genetics Tuebingen Variant Classification Criteria Version 2. Collection method: clinical testing. Allele origin: germline. Affected: yes. Observed: 1 variant allele.
Comment: CFHR4: PP3, BS2

Literature cited by the submitters: PubMed 37744338 (cited by Mayo Clinic Laboratories, Mayo Clinic).

NM_001201550.3(CFHR4):c.799+3A>C

Gene: CFHR4 (complement factor H related 4; plus strand). Cytogenetic location: 1q31.3.
Variant type: single nucleotide variant.
Coding change: c.799+3A>C on transcript NM_001201550.3 (MANE Select); 3 bases into the intron after coding-DNA position 799, A replaced by C.
Molecular consequence: intron variant.
Genome position (GRCh38, 1-based): chr1:196,907,501, A>C. VCF-style: chr1-196907501-A-C. GRCh37 (hg19) VCF-style: chr1-196876631-A-C.
Other names: p.?; c.256+4886A>C (NM_006684.5); c.796+3A>C (NM_001201551.2).
Identifiers: ClinVar variation 3380387 (VCV003380387.14).